The following is an entry in ClinVar:

ClinVar aggregate classification (germline): Uncertain significance (1 of 4 stars; one submission).

Conditions:
Seizures, benign familial infantile, 3 (BFIS3). Also called: CONVULSIONS, BENIGN FAMILIAL INFANTILE, 3; Familial neonatal seizures. Identifiers: Orphanet 140927, Orphanet 306, MedGen C1843140, MONDO:0011904, OMIM 607745.
Developmental and epileptic encephalopathy, 11 (DEE11). Also called: Early infantile epileptic encephalopathy 11. Identifiers: Orphanet 1934, MedGen C3150987, MONDO:0013388, OMIM 613721.

Submission:

Labcorp Genetics (formerly Invitae), Labcorp
Classification: Uncertain significance for Seizures, benign familial infantile, 3; Developmental and epileptic encephalopathy, 11. Last evaluated: 2022-09-10. Review status: criteria provided, single submitter. Criteria: Invitae Variant Classification Sherloc (09022015). Collection method: clinical testing. Allele origin: germline.
Comment: In summary, the available evidence is currently insufficient to determine the role of this variant in disease. Therefore, it has been classified as a Variant of Uncertain Significance. Advanced modeling of protein sequence and biophysical properties (such as structural, functional, and spatial information, amino acid conservation, physicochemical variation, residue mobility, and thermodynamic stability) performed at Invitae indicates that this missense variant is expected to disrupt SCN2A protein function. This variant has not been reported in the literature in individuals affected with SCN2A-related conditions. This variant is not present in population databases (gnomAD no frequency). This sequence change replaces methionine, which is neutral and non-polar, with isoleucine, which is neutral and non-polar, at codon 1704 of the SCN2A protein (p.Met1704Ile).

NM_001040142.2(SCN2A):c.5112G>C (p.Met1704Ile)

Gene: SCN2A (sodium voltage-gated channel alpha subunit 2; plus strand). Cytogenetic location: 2q24.3.
Variant type: single nucleotide variant.
Coding change: c.5112G>C on transcript NM_001040142.2 (MANE Select); coding-DNA position 5112, G replaced by C.
Protein change: p.Met1704Ile; replaces methionine 1704 with isoleucine.
Molecular consequence: missense variant.
Genome position (GRCh38, 1-based): chr2:165,388,918, G>C. VCF-style: chr2-165388918-G-C. GRCh37 (hg19) VCF-style: chr2-166245428-G-C.
Other names: c.5112G>C, p.Met1704Ile (NM_001040143.2, NM_001371246.1, NM_001371247.1 and 1 more transcripts); short protein forms M1704I.
Identifiers: ClinVar variation 1719231 (VCV001719231.6), dbSNP rs2468158284, ClinGen allele CA349038230.